The following is an entry in ClinVar:

ClinVar aggregate classification (germline): Likely benign. Review status: criteria provided, multiple submitters, no conflicts (2 of 4 stars). 2 submissions from 2 submitters: Likely benign (2). Last evaluated 2023-06-01.

Conditions:
Inborn genetic diseases. Identifiers: MedGen C0950123, MeSH D030342.

Allele frequency attached by ClinVar (database versions not stated): gnomAD exomes 0.00005 and 0.00010; ExAC 0.00010.
gnomAD v4.1: 77 of 1,612,470 alleles (0.0048%); highest among the groups gnomAD compares: Middle Eastern, 0.016%; no homozygotes.

Submissions (2):

CeGaT Center for Human Genetics Tuebingen
Classification: Likely benign. Last evaluated: 2023-06-01. Review status: criteria provided, single submitter. Criteria: CeGaT Center For Human Genetics Tuebingen Variant Classification Criteria Version 2. Collection method: clinical testing. Allele origin: germline. Affected: yes. Observed: 5 variant alleles.
Comment: ASXL3: BP4, BS1

Ambry Genetics
Classification: Likely benign for Inborn genetic diseases. Last evaluated: 2021-05-05. Review status: criteria provided, single submitter. Criteria: Ambry Variant Classification Scheme 2023. Collection method: clinical testing. Allele origin: germline.

NM_030632.3(ASXL3):c.419C>T (p.Ala140Val)

Gene: ASXL3 (ASXL transcriptional regulator 3; plus strand). Cytogenetic location: 18q12.1.
Variant type: single nucleotide variant.
Coding change: c.419C>T on transcript NM_030632.3 (MANE Select); coding-DNA position 419, C replaced by T.
Protein change: p.Ala140Val; replaces alanine 140 with valine.
Molecular consequence: missense variant.
Genome position (GRCh38, 1-based): chr18:33,661,679, C>T. VCF-style: chr18-33661679-C-T. GRCh37 (hg19) VCF-style: chr18-31241643-C-T.
Other names: c.419C>T (NM_030632.1); short protein forms A140V.
Identifiers: ClinVar variation 1675700 (VCV001675700.36), dbSNP rs769668170, ClinGen allele CA8933544.